The following is an entry in ClinVar:

NM_152594.3(SPRED1):c.226C>T (p.Leu76Phe)

Gene: SPRED1 (sprouty related EVH1 domain containing 1; plus strand). Cytogenetic location: 15q14.
Variant type: single nucleotide variant.
Coding change: c.226C>T on transcript NM_152594.3 (MANE Select); coding-DNA position 226, C replaced by T.
Protein change: p.Leu76Phe; replaces leucine 76 with phenylalanine.
Molecular consequence: missense variant.
Genome position (GRCh38, 1-based): chr15:38,322,259, C>T. VCF-style: chr15-38322259-C-T. GRCh37 (hg19) VCF-style: chr15-38614460-C-T.
Other names: short protein forms L76F.
Identifiers: ClinVar variation 4742847 (VCV004742847.1).

ClinVar aggregate classification (germline): Uncertain significance (1 of 4 stars; one submission).

Conditions:
Legius syndrome. Identifiers: Orphanet 137605, MedGen C1969623, MONDO:0012669, OMIM 611431. Disease mechanism: loss of function.

Submission:

Labcorp Genetics (formerly Invitae), Labcorp
Classification: Uncertain significance for Legius syndrome. Last evaluated: 2025-08-17. Review status: criteria provided, single submitter. Criteria: Invitae Variant Classification Sherloc (09022015). Collection method: clinical testing. Allele origin: germline.
Comment: This sequence change replaces leucine, which is neutral and non-polar, with phenylalanine, which is neutral and non-polar, at codon 76 of the SPRED1 protein (p.Leu76Phe). This variant is not present in population databases (gnomAD no frequency). This variant has not been reported in the literature in individuals affected with SPRED1-related conditions. Invitae Evidence Modeling of protein sequence and biophysical properties (such as structural, functional, and spatial information, amino acid conservation, physicochemical variation, residue mobility, and thermodynamic stability) has been performed for this missense variant. However, the output from this modeling did not meet the statistical confidence thresholds required to predict the impact of this variant on SPRED1 protein function. In summary, the available evidence is currently insufficient to determine the role of this variant in disease. Therefore, it has been classified as a Variant of Uncertain Significance.